The following is an entry in ClinVar:

NM_001447.3(FAT2):c.1525_1527delinsACT (p.Pro509Thr)

Gene: FAT2 (FAT atypical cadherin 2; minus strand). Cytogenetic location: 5q33.1.
Variant type: Indel.
Coding change: c.1525_1527delinsACT on transcript NM_001447.3 (MANE Select); coding-DNA positions 1525 to 1527, CCC replaced by ACT.
Protein change: p.Pro509Thr; replaces proline 509 with threonine.
Molecular consequence: missense variant.
Genome position (GRCh38, 1-based): chr5:151,567,405-151,567,407, GGG replaced by AGT on the plus strand (CCC replaced by ACT on the coding strand, the reverse complement: FAT2 is on the minus strand). VCF-style: chr5-151567405-GGG-AGT. GRCh37 (hg19) VCF-style: chr5-150946966-GGG-AGT.
Other names: short protein forms P509T.
Identifiers: ClinVar variation 3907039 (VCV003907039.1).

ClinVar aggregate classification (germline): Uncertain significance (1 of 4 stars; one submission).

Submission:

Women's Health and Genetics/Laboratory Corporation of America, LabCorp
Classification: Uncertain significance. Last evaluated: 2025-06-17. Review status: criteria provided, single submitter. Criteria: LabCorp Variant Classification Summary - May 2015. Collection method: clinical testing. Allele origin: germline.
Comment: Variant summary: FAT2 c.1525_1527delinsACT (p.Pro509Thr) results in a non-conservative amino acid change in the encoded protein sequence. Algorithms developed to predict the effect of missense changes on protein structure and function are either unavailable or do not agree on the potential impact of this missense change. The variant allele was found at a frequency of 2.8e-05 in 282818 control chromosomes. The available data on variant occurrences in the general population are insufficient to allow any conclusion about variant significance. To our knowledge, no occurrence of c.1525_1527delinsACT in individuals affected with Spinocerebellar Ataxia 45 and no experimental evidence demonstrating its impact on protein function have been reported. No submitters have cited clinical-significance assessments for this variant to ClinVar. Based on the evidence outlined above, the variant was classified as uncertain significance.